The following is an entry in ClinVar:

ClinVar aggregate classification (germline): Uncertain significance (1 of 4 stars; one submission).

Conditions:
Neuronal ceroid lipofuscinosis. Also called: Neuronal Ceroid Lipofuscinoses. Identifiers: Orphanet 216, Orphanet 79263, MedGen C0027877, MONDO:0016295. Disease mechanism: loss of function.

Submission:

Labcorp Genetics (formerly Invitae), Labcorp
Classification: Uncertain significance for Neuronal ceroid lipofuscinosis. Last evaluated: 2025-10-16. Review status: criteria provided, single submitter. Criteria: Invitae Variant Classification Sherloc (09022015). Collection method: clinical testing. Allele origin: germline.
Comment: This sequence change replaces glycine, which is neutral and non-polar, with serine, which is neutral and polar, at codon 80 of the DNAJC5 protein (p.Gly80Ser). This variant is not present in population databases (gnomAD no frequency). This variant has not been reported in the literature in individuals affected with DNAJC5-related conditions. This missense change has been observed in at least one individual who was not affected with DNAJC5-related conditions (internal data). ClinVar contains an entry for this variant (Variation ID: 527738). An algorithm developed to predict the effect of missense changes on protein structure and function (PolyPhen-2) suggests that this variant is likely to be disruptive. In summary, the available evidence is currently insufficient to determine the role of this variant in disease. Therefore, it has been classified as a Variant of Uncertain Significance.

NM_025219.3(DNAJC5):c.238G>A (p.Gly80Ser)

Gene: DNAJC5 (DnaJ heat shock protein family (Hsp40) member C5; plus strand). Cytogenetic location: 20q13.33.
Variant type: single nucleotide variant.
Coding change: c.238G>A on transcript NM_025219.3 (MANE Select); coding-DNA position 238, G replaced by A.
Protein change: p.Gly80Ser; replaces glycine 80 with serine.
Molecular consequence: missense variant.
Genome position (GRCh38, 1-based): chr20:63,929,442, G>A. VCF-style: chr20-63929442-G-A. GRCh37 (hg19) VCF-style: chr20-62560795-G-A.
Other names: short protein forms G80S.
Identifiers: ClinVar variation 527738 (VCV000527738.8), dbSNP rs1555879996, ClinGen allele CA409716686.